The following is an entry in ClinVar:

ClinVar aggregate classification (germline): Uncertain significance (1 of 4 stars; one submission).

Submission:

Labcorp Genetics (formerly Invitae), Labcorp
Classification: Uncertain significance. Last evaluated: 2024-09-10. Review status: criteria provided, single submitter. Criteria: Invitae Variant Classification Sherloc (09022015). Collection method: clinical testing. Allele origin: germline.
Comment: This sequence change replaces alanine, which is neutral and non-polar, with threonine, which is neutral and polar, at codon 110 of the CD46 protein (p.Ala110Thr). This variant is not present in population databases (gnomAD no frequency). This variant has not been reported in the literature in individuals affected with CD46-related conditions. Invitae Evidence Modeling of protein sequence and biophysical properties (such as structural, functional, and spatial information, amino acid conservation, physicochemical variation, residue mobility, and thermodynamic stability) indicates that this missense variant is not expected to disrupt CD46 protein function with a negative predictive value of 80%. In summary, the available evidence is currently insufficient to determine the role of this variant in disease. Therefore, it has been classified as a Variant of Uncertain Significance.

NM_172351.3(CD46):c.328G>A (p.Ala110Thr)

Gene: CD46 (CD46 molecule; plus strand). Cytogenetic location: 1q32.2.
Variant type: single nucleotide variant.
Coding change: c.328G>A on transcript NM_172351.3 (MANE Select); coding-DNA position 328, G replaced by A.
Protein change: p.Ala110Thr; replaces alanine 110 with threonine.
Molecular consequence: missense variant.
Genome position (GRCh38, 1-based): chr1:207,757,581, G>A. VCF-style: chr1-207757581-G-A. GRCh37 (hg19) VCF-style: chr1-207930926-G-A.
Other names: c.328G>A, p.Ala110Thr (NM_002389.4, NM_153826.4, NM_172350.3 and 8 more transcripts); short protein forms A110T.
Identifiers: ClinVar variation 3730038 (VCV003730038.2).
Genomic context (GRCh38, chr1:207,757,581, plus strand): 5'-CAAAATTATTTTCTTTCAGGAGAAACATGTCCATATATACGGGATCCTTTAAATGGCCAA[G>A]CAGTCCCTGCAAATGGGACTTACGAGTTTGGTTATCAGATGCACTTTATTTGTAATGAGG-3'
Protein context (NP_758861.1, residues 100-120): PYIRDPLNGQ[Ala110Thr]VPANGTYEFG